The following is an entry in ClinVar:

ClinVar aggregate classification (germline): Uncertain significance (1 of 4 stars; one submission).

Submission:

GeneDx
Classification: Uncertain significance. Last evaluated: 2019-05-29. Review status: criteria provided, single submitter. Criteria: GeneDx Variant Classification Process June 2021. Collection method: clinical testing. Allele origin: germline. Affected: yes.
Comment: Has not been previously published as pathogenic or benign to our knowledge; In silico analysis, which includes protein predictors and evolutionary conservation, supports a deleterious effect; Occurs in the triple helical domain at the X position in the canonical Gly-X-Y repeat. Although this variant may have an effect on normal protein folding and function, missense substitution at the X position is not a common mechanism of disease (Stenson et al., 2014); Not observed in large population cohorts (Lek et al., 2016); Reported in ClinVar as a variant of uncertain significance, additional evidence is not available (ClinVar Variant ID 529310; Landrum et al., 2016)

NM_000090.4(COL3A1):c.2107C>G (p.Pro703Ala)

Gene: COL3A1 (collagen type III alpha 1 chain; plus strand). Cytogenetic location: 2q32.2.
Variant type: single nucleotide variant.
Coding change: c.2107C>G on transcript NM_000090.4 (MANE Select); coding-DNA position 2107, C replaced by G.
Protein change: p.Pro703Ala; replaces proline 703 with alanine.
Molecular consequence: missense variant.
Genome position (GRCh38, 1-based): chr2:188,999,369, C>G. VCF-style: chr2-188999369-C-G. GRCh37 (hg19) VCF-style: chr2-189864095-C-G.
Other names: short protein forms P703A.
Identifiers: ClinVar variation 1306172 (VCV001306172.2), dbSNP rs780123051, ClinGen allele CA62554482.